The following is an entry in ClinVar:

ClinVar aggregate classification (germline): Likely benign (0 of 4 stars; one submission).

Conditions:
MUC16-related disorder. Also called: MUC16-related condition.

Allele frequency attached by ClinVar (database versions not stated): 1000 Genomes Project 30x 0.21315.

Submission:

PreventionGenetics, part of Exact Sciences
Classification: Likely benign for MUC16-related condition. Last evaluated: 2019-09-24. Review status: no assertion criteria provided. Collection method: clinical testing. Allele origin: germline.
Comment: This variant is classified as likely benign based on ACMG/AMP sequence variant interpretation guidelines (Richards et al. 2015 PMID: 25741868, with internal and published modifications).

NM_001401501.2(MUC16):c.40541+8A>G

Gene: MUC16 (mucin 16, cell surface associated; minus strand). Cytogenetic location: 19p13.2.
Variant type: single nucleotide variant.
Coding change: c.40541+8A>G on transcript NM_001401501.2 (MANE Select); 8 bases into the intron after coding-DNA position 40541, A replaced by G.
Molecular consequence: intron variant.
Genome position (GRCh38, 1-based): chr19:8,891,817, T>C on the plus strand (A>G on the coding strand, the complement: MUC16 is on the minus strand). VCF-style: chr19-8891817-T-C. GRCh37 (hg19) VCF-style: chr19-9002493-T-C.
Other names: c.40967+8A>G (NM_001414686.1); c.40421+8A>G (NM_001414687.1); c.40315+8A>G (NM_024690.2).
Identifiers: ClinVar variation 3059801 (VCV003059801.2), dbSNP rs77972891, ClinGen allele CA9163463.
Genomic context (GRCh38, chr19:8,891,817, plus strand): 5'-CCTCAGGCCAGAGAATAGAGGCTGTCCAGCAAGGAGGAAGAGACTCCAACCACATCAAAG[T>C]TGCTCACCATTGACATAGAGACTGTGCCTGTCCAGGGTGTAGGGGCCCAGCTCAGTGATG-3'